The following is an entry in ClinVar:

ClinVar aggregate classification (germline): Pathogenic (1 of 4 stars; one submission).

Allele frequency attached by ClinVar (database versions not stated): gnomAD exomes below 0.00001.
gnomAD v4.1: 1 of 1,612,564 alleles (0.000062%); highest among the groups gnomAD compares: Non-Finnish European, 0.000085%; no homozygotes.

Submission:

Labcorp Genetics (formerly Invitae), Labcorp
Classification: Pathogenic. Last evaluated: 2020-02-24. Review status: criteria provided, single submitter. Criteria: Invitae Variant Classification Sherloc (09022015). Collection method: clinical testing. Allele origin: germline.
Comment: For these reasons, this variant has been classified as Pathogenic. Loss-of-function variants in ERCC8 are known to be pathogenic (PMID: 19894250, 21108394). This variant has not been reported in the literature in individuals with ERCC8-related conditions. This variant is not present in population databases (ExAC no frequency). This sequence change creates a premature translational stop signal (p.Gln169*) in the ERCC8 gene. It is expected to result in an absent or disrupted protein product.

Literature cited by the submitters: PubMed 19894250; PubMed 21108394.

NM_000082.4(ERCC8):c.505C>T (p.Gln169Ter)

Gene: ERCC8 (ERCC excision repair 8, CSA ubiquitin ligase complex subunit; minus strand). Cytogenetic location: 5q12.1.
Variant type: single nucleotide variant.
Coding change: c.505C>T on transcript NM_000082.4 (MANE Select); coding-DNA position 505, C replaced by T.
Protein change: p.Gln169Ter; replaces glutamine 169 with a stop codon.
Molecular consequence: nonsense.
Genome position (GRCh38, 1-based): chr5:60,903,693, G>A on the plus strand (C>T on the coding strand, the complement: ERCC8 is on the minus strand). VCF-style: chr5-60903693-G-A. GRCh37 (hg19) VCF-style: chr5-60199520-G-A.
Other names: c.331C>T, p.Gln111Ter (NM_001007233.3); c.505C>T, p.Gln169Ter (NM_001007234.3); c.46C>T, p.Gln16Ter (NM_001290285.2); short protein forms Q111*, Q16*, Q169*.
Identifiers: ClinVar variation 1070218 (VCV001070218.7), dbSNP rs2112492912, ClinGen allele CA359826894.